The following is an entry in ClinVar:

ClinVar aggregate classification (germline): Pathogenic (1 of 4 stars; one submission).

Conditions:
Familial thoracic aortic aneurysm and aortic dissection (TAAD). Also called: Thoracic aortic aneurysms and dissections. Identifiers: Orphanet 91387, MedGen C4707243, MONDO:0019625.

Submission:

Labcorp Genetics (formerly Invitae), Labcorp
Classification: Pathogenic for Familial thoracic aortic aneurysm and aortic dissection. Last evaluated: 2022-05-28. Review status: criteria provided, single submitter. Criteria: Invitae Variant Classification Sherloc (09022015). Collection method: clinical testing. Allele origin: germline.
Comment: This variant is a gross deletion of the genomic region encompassing exon(s) 1 of the TGFBR1 gene, which includes the initiator codon. This deletion extends beyond the assayed region for this gene and therefore may encompass additional genes. It is expected to result in an absent or disrupted protein product. Loss-of-function variants in TGFBR1 are known to be pathogenic (PMID: 21358634). This variant has not been reported in the literature in individuals affected with TGFBR1-related conditions. For these reasons, this variant has been classified as Pathogenic.

Literature cited by the submitters: PubMed 21358634.

NC_000009.11:g.(?_101867488)_(101867604_?)del

Gene: TGFBR1 (transforming growth factor beta receptor 1; plus strand). Cytogenetic location: 9q22.33.
Variant type: Deletion.
Identifiers: ClinVar variation 2425183 (VCV002425183.4).